The following is an entry in ClinVar:

ClinVar aggregate classification (germline): Uncertain significance. Review status: criteria provided, multiple submitters, no conflicts (2 of 4 stars). 2 submissions from 2 submitters: Uncertain significance (2). Last evaluated 2025-03-09.

Conditions:
Hereditary cancer-predisposing syndrome. Also called: Hereditary neoplastic syndrome; Tumor predisposition; Neoplastic Syndromes, Hereditary; Hereditary Cancer Syndrome. Identifiers: Orphanet 140162, MedGen C0027672, MeSH D009386, MONDO:0015356.
Oligodontia-cancer predisposition syndrome. Also called: TOOTH AGENESIS-COLORECTAL CANCER SYNDROME. Identifiers: Orphanet 300576, MedGen C1837750, MONDO:0012075, OMIM 608615. Disease mechanism: loss of function.

Allele frequency attached by ClinVar (database versions not stated): gnomAD exomes below 0.00001; ExAC 0.00001.
gnomAD v4.1: 1 of 1,614,166 alleles (0.000062%); highest among the groups gnomAD compares: Non-Finnish European, 0.000085%; no homozygotes.

Submissions (2):

Labcorp Genetics (formerly Invitae), Labcorp
Classification: Uncertain significance for Oligodontia-cancer predisposition syndrome. Last evaluated: 2025-03-09. Review status: criteria provided, single submitter. Criteria: Invitae Variant Classification Sherloc (09022015). Collection method: clinical testing. Allele origin: germline.
Comment: This sequence change falls in intron 9 of the AXIN2 gene. It does not directly change the encoded amino acid sequence of the AXIN2 protein. It affects a nucleotide within the consensus splice site. This variant is present in population databases (rs774732142, gnomAD 0.0009%). This variant has not been reported in the literature in individuals affected with AXIN2-related conditions. ClinVar contains an entry for this variant (Variation ID: 956339). Variants that disrupt the consensus splice site are a relatively common cause of aberrant splicing (PMID: 17576681, 9536098). Algorithms developed to predict the effect of sequence changes on RNA splicing suggest that this variant is not likely to affect RNA splicing. In summary, the available evidence is currently insufficient to determine the role of this variant in disease. Therefore, it has been classified as a Variant of Uncertain Significance.

Ambry Genetics
Classification: Uncertain significance for Hereditary cancer-predisposing syndrome. Last evaluated: 2024-09-12. Review status: criteria provided, single submitter. Criteria: Ambry Variant Classification Scheme 2023. Collection method: clinical testing. Allele origin: germline.
Comment: The c.2238-3C>T intronic variant results from a C to T substitution 3 nucleotides before coding exon 9 in the AXIN2 gene. This nucleotide position is highly conserved in available vertebrate species. In silico splice site analysis predicts that this alteration will not have any significant effect on splicing. Based on the available evidence, the clinical significance of this variant remains unclear.

Literature cited by the submitters: PubMed 17576681 (cited by Labcorp Genetics (formerly Invitae), Labcorp); PubMed 9536098 (cited by Labcorp Genetics (formerly Invitae), Labcorp).

NM_004655.4(AXIN2):c.2238-3C>T

Gene: AXIN2 (axin 2; minus strand). Cytogenetic location: 17q24.1.
Variant type: single nucleotide variant.
Coding change: c.2238-3C>T on transcript NM_004655.4 (MANE Select); 3 bases into the intron before coding-DNA position 2238, C replaced by T.
Molecular consequence: intron variant.
Genome position (GRCh38, 1-based): chr17:65,534,082, G>A on the plus strand (C>T on the coding strand, the complement: AXIN2 is on the minus strand). VCF-style: chr17-65534082-G-A. GRCh37 (hg19) VCF-style: chr17-63530200-G-A.
Other names: c.2043-3C>T (NM_001363813.1).
Identifiers: ClinVar variation 956339 (VCV000956339.13), dbSNP rs774732142, ClinGen allele CA8718342.